The following is an entry in ClinVar:

ClinVar aggregate classification (germline): Uncertain significance (1 of 4 stars; one submission).

Conditions:
Hereditary cancer-predisposing syndrome. Also called: Neoplastic Syndromes, Hereditary; Tumor predisposition; Hereditary Cancer Syndrome; Hereditary neoplastic syndrome. Identifiers: Orphanet 140162, MedGen C0027672, MeSH D009386, MONDO:0015356.

Submission:

Ambry Genetics
Classification: Uncertain significance for Hereditary cancer-predisposing syndrome. Last evaluated: 2026-09-03. Review status: criteria provided, single submitter. Criteria: Ambry Variant Classification Scheme 2023. Collection method: clinical testing. Allele origin: germline.
Comment: The c.517-3C>G intronic variant results from a C to G substitution 3 nucleotides upstream from coding exon 6 in the BRCA2 gene. This nucleotide position is not well conserved in available vertebrate species. In silico splice site analysis predicts that this alteration will weaken the native splice acceptor site; however, direct evidence is insufficient at this time (Ambry internal data). Based on the available evidence, the clinical significance of this variant remains unclear.

NM_000059.4(BRCA2):c.517-3C>G

Gene: BRCA2 (BRCA2 DNA repair associated; plus strand). Cytogenetic location: 13q13.1.
Variant type: single nucleotide variant.
Coding change: c.517-3C>G on transcript NM_000059.4 (MANE Select); 3 bases into the intron before coding-DNA position 517, C replaced by G.
Molecular consequence: intron variant.
Genome position (GRCh38, 1-based): chr13:32,326,496, C>G. VCF-style: chr13-32326496-C-G. GRCh37 (hg19) VCF-style: chr13-32900633-C-G.
Other names: c.517-3C>G (NM_001432077.1, NM_001406720.1, NM_001406719.1 and 1 more transcripts); c.148-3C>G (NM_001406722.1).
Identifiers: ClinVar variation 4867835 (VCV004867835.2).
Genomic context (GRCh38, chr13:32,326,496, plus strand): 5'-AAAATAATATCCTTAATGATCAGGGCATTTCTATAAAAAATAAACTATTTTCTTTCCTCC[C>G]AGGGTCGTCAGACACCAAAACATATTTCTGAAAGTCTAGGAGCTGAGGTGGATCCTGATA-3'